The following is an entry in ClinVar:

ClinVar aggregate classification (germline): Benign. Review status: criteria provided, single submitter (1 of 4 stars). 2 submissions from 2 submitters: Benign (1). 1 of the submissions does not count toward it. Last evaluated 2025-11-03.

Conditions:
SON-related disorder. Also called: SON-related condition.

Allele frequency attached by ClinVar (database versions not stated): ExAC 0.00004; gnomAD exomes 0.00005; gnomAD 0.00007; ESP Exome Variant Server 0.00008; TOPMed 0.00009.

Submissions (2):

Labcorp Genetics (formerly Invitae), Labcorp
Classification: Benign. Last evaluated: 2025-11-03. Review status: criteria provided, single submitter. Criteria: Invitae Variant Classification Sherloc (09022015). Collection method: clinical testing. Allele origin: germline.

PreventionGenetics, part of Exact Sciences
Classification: Likely benign for SON-related condition. Last evaluated: 2023-12-08. Review status: no assertion criteria provided. Collection method: clinical testing. Allele origin: germline. Not counted in ClinVar's aggregate classification.
Comment: This variant is classified as likely benign based on ACMG/AMP sequence variant interpretation guidelines (Richards et al. 2015 PMID: 25741868, with internal and published modifications).

NM_138927.4(SON):c.3662C>T (p.Ser1221Leu)

Gene: SON (SON DNA and RNA binding protein; plus strand). Cytogenetic location: 21q22.11.
Variant type: single nucleotide variant.
Coding change: c.3662C>T on transcript NM_138927.4 (MANE Select); coding-DNA position 3662, C replaced by T.
Protein change: p.Ser1221Leu; replaces serine 1221 with leucine.
Molecular consequence: missense variant. On other transcripts: non-coding transcript variant (1), intron variant (1).
Genome position (GRCh38, 1-based): chr21:33,552,893, C>T. VCF-style: chr21-33552893-C-T. GRCh37 (hg19) VCF-style: chr21-34925199-C-T.
Other names: c.3662C>T (NM_138927.2); c.3662C>T, p.Ser1221Leu (NM_001291411.2, NM_001412133.1, NM_032195.3 and 2 more transcripts); c.245-4263C>T (NM_001291412.3); short protein forms S1221L.
Identifiers: ClinVar variation 2158238 (VCV002158238.6), dbSNP rs144822029, ClinGen allele CA10009339.